The following is an entry in ClinVar:

NM_000138.5(FBN1):c.5471G>T (p.Cys1824Phe)

Gene: FBN1 (fibrillin 1; minus strand). Cytogenetic location: 15q21.1.
Variant type: single nucleotide variant.
Coding change: c.5471G>T on transcript NM_000138.5 (MANE Select); coding-DNA position 5471, G replaced by T.
Protein change: p.Cys1824Phe; replaces cysteine 1824 with phenylalanine.
Molecular consequence: missense variant.
Genome position (GRCh38, 1-based): chr15:48,452,636, C>A on the plus strand (G>T on the coding strand, the complement: FBN1 is on the minus strand). VCF-style: chr15-48452636-C-A. GRCh37 (hg19) VCF-style: chr15-48744833-C-A.
Other names: short protein forms C1824F.
Identifiers: ClinVar variation 689491 (VCV000689491.3), dbSNP rs1597537858, ClinGen allele CA392344302.

ClinVar aggregate classification (germline): Pathogenic (1 of 4 stars; one submission).

Conditions:
Marfan syndrome (MFS). Also called: MARFAN SYNDROME, TYPE I; FBN1-Related Marfan Syndrome; Marfan syndrome type 1; Marfan's syndrome; Marfan syndrome, classic. Identifiers: Orphanet 284963, Orphanet 558, MedGen C0024796, MONDO:0007947, OMIM 154700.

Submission:

Petrovsky National Research Centre of Surgery, The Federal Agency for Scientific Organizations
Classification: Pathogenic for Marfan syndrome. Last evaluated: 2019-09-04. Review status: criteria provided, single submitter. Criteria: ACMG Guidelines, 2015. Collection method: clinical testing. Allele origin: de novo. Affected: yes. Observed: 1 heterozygote.
Comment: The C1824F is a novel missense variant that was not reported in any study to our knowledge. The variant is not present in population studies (ExAC no frequency). We have reported on ClinVar other missense at 1824 codon (C1824G) that is a known mutation (PMID: 25652356) and additionally there are known 2 other missense variants (C1824Y, C1824R), one was reported in patient with MFS (PMID: 19293843) and the other was reported on the ClinVar (Variation ID:429594) as likely pathogenic. Cysteine is located in cbEGF-like domain and participates in Disulfide bonds 1812-1824. Substitutions at cysteine residues in EGF domains are a common mechanism for disease in FBN1 gene (PMID: 1301946, 12938084, 15161917). Additionally, computational prediction tools like Provean, SIFT, PolyPhen2 and MutationTaster show damaging/deleterious results. Based on this evidences the C1824F variant is classified as Pathogenic.